The following is an entry in ClinVar:

ClinVar aggregate classification (germline): Uncertain significance (1 of 4 stars; one submission).

Submission:

GeneDx
Classification: Uncertain significance. Last evaluated: 2016-08-19. Review status: criteria provided, single submitter. Criteria: GeneDx Variant Classification (06012015). Collection method: clinical testing. Allele origin: germline. Affected: yes.
Comment: The c.2264_2265delTCinsGT variant has not been published as a pathogenic variant, nor has it been reported as a benign variant to our knowledge. The c.2264_2265delTCinsGT variant was not observed in approximately 6,500 individuals of European and African American ancestry in the NHLBI Exome Sequencing Project, indicating it is not a common benign variant in these populations. The c.2264_2265delTCinsGT variant results in a non-conservative amino acid substitution of an Isoleucine residue for a Serine residue (I755S), which is likely to impact secondary protein structure as these residues differ in polarity, charge, size and/or other properties. This substitution occurs at a position that is conserved across species and in silico analysis predicts this variant is probably damaging to the protein structure/function.However, based on the currently available information, it is unclear whether this variant is pathogenic or rare benign.

NM_004333.6(BRAF):c.2264_2265delinsGT (p.Ile755Ser)

Gene: BRAF (B-Raf proto-oncogene, serine/threonine kinase; minus strand). Cytogenetic location: 7q34.
Variant type: Indel.
Coding change: c.2264_2265delinsGT on transcript NM_004333.6 (MANE Select); coding-DNA positions 2264 to 2265, TC replaced by GT.
Protein change: p.Ile755Ser; replaces isoleucine 755 with serine.
Molecular consequence: missense variant. On other transcripts: intron variant (2).
Genome position (GRCh38, 1-based): chr7:140,734,633-140,734,634, GA replaced by AC on the plus strand (TC replaced by GT on the coding strand, the reverse complement: BRAF is on the minus strand). VCF-style: chr7-140734633-GA-AC. GRCh37 (hg19) VCF-style: chr7-140434433-GA-AC.
Other names: c.2264_2265delinsGT, p.Ile755Ser (NM_001354609.2); c.2384_2385delinsGT, p.Ile795Ser (NM_001374244.1, NM_001374258.1); c.2273_2274delinsGT, p.Ile758Ser (NM_001378467.1); c.2198_2199delinsGT, p.Ile733Ser (NM_001378469.1); c.2162_2163delinsGT, p.Ile721Ser (NM_001378470.1); c.2153_2154delinsGT, p.Ile718Ser (NM_001378471.1); c.2108_2109delinsGT, p.Ile703Ser (NM_001378472.1, NM_001378473.1); c.2000_2001delinsGT, p.Ile667Ser (NM_001378475.1); and 1 more; short protein forms I755S, I667S, I703S, I718S, I721S, I733S, I758S, I795S.
Identifiers: ClinVar variation 422080 (VCV000422080.1), dbSNP rs1064795542, ClinGen allele CA16618359.